The following is an entry in ClinVar:

ClinVar aggregate classification (germline): Pathogenic (1 of 4 stars; one submission).

Conditions:
Granulomatous disease, chronic, X-linked. Also called: GRANULOMATOUS DISEASE, CHRONIC, X-LINKED, SOMATIC MOSAIC; CYTOCHROME b-NEGATIVE GRANULOMATOUS DISEASE, CHRONIC, X-LINKED. Identifiers: Orphanet 379, MedGen C1844376, MONDO:0010600, OMIM 306400.

Submission:

Women's Health and Genetics/Laboratory Corporation of America, LabCorp
Classification: Pathogenic for Granulomatous disease, chronic, X-linked. Last evaluated: 2024-01-12. Review status: criteria provided, single submitter. Criteria: LabCorp Variant Classification Summary - May 2015. Collection method: clinical testing. Allele origin: germline.
Comment: Variant summary: CYBB c.253-1G>C is located in a canonical splice-site and is predicted to affect mRNA splicing resulting in a significantly altered protein due to either exon skipping, shortening, or inclusion of intronic material. Several computational tools predict a significant impact on normal splicing: Two predict the variant abolishes a 3' acceptor site. However, these predictions have yet to be confirmed by functional studies. The variant was absent in 182494 control chromosomes. To our knowledge, no occurrence of c.253-1G>C in individuals affected with X-Linked Chronic Granulomatous Disease and no experimental evidence demonstrating its impact on protein function have been reported. No submitters have cited clinical-significance assessments for this variant to ClinVar. Based on the evidence outlined above, the variant was classified as pathogenic.

NM_000397.4(CYBB):c.253-1G>C

Gene: CYBB (cytochrome b-245 beta chain; plus strand). Cytogenetic location: Xp21.1.
Variant type: single nucleotide variant.
Coding change: c.253-1G>C on transcript NM_000397.4 (MANE Select); the canonical splice acceptor site of the intron before coding-DNA position 253, G replaced by C.
Molecular consequence: splice acceptor variant.
Genome position (GRCh38, 1-based): chrX:37,791,974, G>C. VCF-style: chrX-37791974-G-C. GRCh37 (hg19) VCF-style: chrX-37651227-G-C.
Identifiers: ClinVar variation 3063877 (VCV003063877.1), dbSNP rs2519198695, ClinGen allele CA412973974.